The following is an entry in ClinVar:

NM_004519.4(KCNQ3):c.1418G>T (p.Arg473Leu)

Gene: KCNQ3 (potassium voltage-gated channel subfamily Q member 3; minus strand). Cytogenetic location: 8q24.22.
Variant type: single nucleotide variant.
Coding change: c.1418G>T on transcript NM_004519.4 (MANE Select); coding-DNA position 1418, G replaced by T.
Protein change: p.Arg473Leu; replaces arginine 473 with leucine.
Molecular consequence: missense variant.
Genome position (GRCh38, 1-based): chr8:132,141,176, C>A on the plus strand (G>T on the coding strand, the complement: KCNQ3 is on the minus strand). VCF-style: chr8-132141176-C-A. GRCh37 (hg19) VCF-style: chr8-133153423-C-A.
Other names: c.1058G>T, p.Arg353Leu (NM_001204824.2); short protein forms R353L, R473L.
Identifiers: ClinVar variation 3360097 (VCV003360097.2).

ClinVar aggregate classification (germline): Uncertain significance (1 of 4 stars; one submission).

Submission:

GeneDx
Classification: Uncertain significance. Last evaluated: 2025-09-17. Review status: criteria provided, single submitter. Criteria: GeneDx Variant Classification Process June 2021. Collection method: clinical testing. Allele origin: germline.
Comment: Not observed at significant frequency in large population cohorts (gnomAD); In silico analysis supports that this missense variant has a deleterious effect on protein structure/function; Has not been previously published as pathogenic or benign to our knowledge